The following is an entry in ClinVar:

ClinVar aggregate classification (germline): Likely benign (1 of 4 stars; one submission).

Allele frequency attached by ClinVar (database versions not stated): ExAC 0.00001; gnomAD 0.00001; TOPMed 0.00001.
gnomAD v4.1: 18 of 1,602,260 alleles (0.0011%); highest among the groups gnomAD compares: South Asian, 0.0066%; no homozygotes.

Submission:

CeGaT Center for Human Genetics Tuebingen
Classification: Likely benign. Last evaluated: 2022-07-01. Review status: criteria provided, single submitter. Criteria: CeGaT Center For Human Genetics Tuebingen Variant Classification Criteria Version 2. Collection method: clinical testing. Allele origin: germline. Affected: yes. Observed: 1 variant allele.
Comment: DIDO1: BP4, BP7

NM_001193369.2(DIDO1):c.4710C>T (p.Thr1570=)

Gene: DIDO1 (death inducer-obliterator 1; minus strand). Cytogenetic location: 20q13.33.
Variant type: single nucleotide variant.
Coding change: c.4710C>T on transcript NM_001193369.2 (MANE Select); coding-DNA position 4710, C replaced by T.
Protein change: p.Thr1570=; no amino-acid change (threonine 1570 retained).
Molecular consequence: synonymous variant.
Genome position (GRCh38, 1-based): chr20:62,881,246, G>A on the plus strand (C>T on the coding strand, the complement: DIDO1 is on the minus strand). VCF-style: chr20-62881246-G-A. GRCh37 (hg19) VCF-style: chr20-61512598-G-A.
Other names: c.4710C>T, p.Thr1570= (NM_033081.3).
Identifiers: ClinVar variation 2652512 (VCV002652512.24), dbSNP rs770742142, ClinGen allele CA9951191.